The following is an entry in ClinVar:

ClinVar aggregate classification (germline): Uncertain significance (1 of 4 stars; one submission).

Submission:

Labcorp Genetics (formerly Invitae), Labcorp
Classification: Uncertain significance. Last evaluated: 2022-03-09. Review status: criteria provided, single submitter. Criteria: Invitae Variant Classification Sherloc (09022015). Collection method: clinical testing. Allele origin: germline.
Comment: This variant is not present in population databases (gnomAD no frequency). This sequence change replaces serine, which is neutral and polar, with threonine, which is neutral and polar, at codon 1321 of the ABCB11 protein (p.Ser1321Thr). This variant has not been reported in the literature in individuals affected with ABCB11-related conditions. In summary, the available evidence is currently insufficient to determine the role of this variant in disease. Therefore, it has been classified as a Variant of Uncertain Significance. Algorithms developed to predict the effect of missense changes on protein structure and function are either unavailable or do not agree on the potential impact of this missense change (SIFT: "Tolerated"; PolyPhen-2: "Probably Damaging"; Align-GVGD: "Class C0").

NM_003742.4(ABCB11):c.3962G>C (p.Ser1321Thr)

Gene: ABCB11 (ATP binding cassette subfamily B member 11; minus strand). Cytogenetic location: 2q31.1.
Variant type: single nucleotide variant.
Coding change: c.3962G>C on transcript NM_003742.4 (MANE Select); coding-DNA position 3962, G replaced by C.
Protein change: p.Ser1321Thr; replaces serine 1321 with threonine.
Molecular consequence: missense variant.
Genome position (GRCh38, 1-based): chr2:168,923,626, C>G on the plus strand (G>C on the coding strand, the complement: ABCB11 is on the minus strand). VCF-style: chr2-168923626-C-G. GRCh37 (hg19) VCF-style: chr2-169780136-C-G.
Other names: short protein forms S1321T.
Identifiers: ClinVar variation 2107749 (VCV002107749.4), dbSNP rs201693189, ClinGen allele CA349116704.
Genomic context (GRCh38, chr2:168,923,626, plus strand): 5'-TTAAAAACAACCCCTGTAACTGGTGCGTCATGTGTGTCTGAGATTCTTGCATTGGGTCAA[C>G]TGATGGGGGATCCAGTGGTGACTAGTTTGTAGTAGGCTCCTTTTTGGGCCATCAGTTCTT-3'
Protein context (NP_003733.2, residues 1311-1321): YKLVTTGSPI[Ser1321Thr]